The following is an entry in ClinVar:

NM_003361.4(UMOD):c.1201A>G (p.Thr401Ala)

Gene: UMOD (uromodulin; minus strand). Cytogenetic location: 16p12.3.
Variant type: single nucleotide variant.
Coding change: c.1201A>G on transcript NM_003361.4 (MANE Select); coding-DNA position 1201, A replaced by G.
Protein change: p.Thr401Ala; replaces threonine 401 with alanine.
Molecular consequence: missense variant. On other transcripts: non-coding transcript variant (1).
Genome position (GRCh38, 1-based): chr16:20,344,154, T>C on the plus strand (A>G on the coding strand, the complement: UMOD is on the minus strand). VCF-style: chr16-20344154-T-C. GRCh37 (hg19) VCF-style: chr16-20355476-T-C.
Other names: c.1201A>G, p.Thr401Ala (NM_001008389.3, NM_001378232.1, NM_001378233.1 and 3 more transcripts); c.1300A>G, p.Thr434Ala (NM_001278614.2); short protein forms T434A, T401A.
Identifiers: ClinVar variation 2406646 (VCV002406646.5), dbSNP rs771252532, ClinGen allele CA7939228.

ClinVar aggregate classification (germline): Uncertain significance. Review status: criteria provided, multiple submitters, no conflicts (2 of 4 stars). 2 submissions from 2 submitters: Uncertain significance (2). Last evaluated 2024-02-29.

Conditions:
Inborn genetic diseases. Identifiers: MedGen C0950123, MeSH D030342.

Allele frequency attached by ClinVar (database versions not stated): TOPMed below 0.00001; gnomAD exomes 0.00001; ExAC 0.00002.
gnomAD v4.1: 5 of 1,399,026 alleles (0.00036%); highest among the groups gnomAD compares: East Asian, 0.0037%; no homozygotes.

Submissions (2):

Labcorp Genetics (formerly Invitae), Labcorp
Classification: Uncertain significance. Last evaluated: 2024-02-29. Review status: criteria provided, single submitter. Criteria: Invitae Variant Classification Sherloc (09022015). Collection method: clinical testing. Allele origin: germline.
Comment: This sequence change replaces threonine, which is neutral and polar, with alanine, which is neutral and non-polar, at codon 401 of the UMOD protein (p.Thr401Ala). This variant is present in population databases (rs771252532, gnomAD 0.006%). This variant has not been reported in the literature in individuals affected with UMOD-related conditions. ClinVar contains an entry for this variant (Variation ID: 2406646). Advanced modeling of protein sequence and biophysical properties (such as structural, functional, and spatial information, amino acid conservation, physicochemical variation, residue mobility, and thermodynamic stability) performed at Invitae indicates that this missense variant is not expected to disrupt UMOD protein function with a negative predictive value of 95%. In summary, the available evidence is currently insufficient to determine the role of this variant in disease. Therefore, it has been classified as a Variant of Uncertain Significance.

Ambry Genetics
Classification: Uncertain significance for Inborn genetic diseases. Last evaluated: 2021-06-22. Review status: criteria provided, single submitter. Criteria: Ambry Variant Classification Scheme 2023. Collection method: clinical testing. Allele origin: germline.